The following is an entry in ClinVar:

NM_145290.4(ADGRA3):c.3837A>C (p.Lys1279Asn)

Gene: ADGRA3 (adhesion G protein-coupled receptor A3; minus strand). Cytogenetic location: 4p15.2.
Variant type: single nucleotide variant.
Coding change: c.3837A>C on transcript NM_145290.4 (MANE Select); coding-DNA position 3837, A replaced by C.
Protein change: p.Lys1279Asn; replaces lysine 1279 with asparagine.
Molecular consequence: missense variant.
Genome position (GRCh38, 1-based): chr4:22,387,834, T>G on the plus strand (A>C on the coding strand, the complement: ADGRA3 is on the minus strand). VCF-style: chr4-22387834-T-G. GRCh37 (hg19) VCF-style: chr4-22389457-T-G.
Other names: c.3837A>C (NM_145290.2); short protein forms K1279N.
Identifiers: ClinVar variation 3003629 (VCV003003629.4), dbSNP rs1274857391, ClinGen allele CA356471570.

ClinVar aggregate classification (germline): Uncertain significance. Review status: criteria provided, multiple submitters, no conflicts (2 of 4 stars). 2 submissions from 2 submitters: Uncertain significance (2). Last evaluated 2023-12-12.

Allele frequency attached by ClinVar (database versions not stated): gnomAD 0.00001.
gnomAD v4.1: 2 of 1,613,992 alleles (0.00012%); highest among the groups gnomAD compares: Non-Finnish European, 0.00017%; no homozygotes.

Submissions (2):

Ambry Genetics
Classification: Uncertain significance. Last evaluated: 2023-12-12. Review status: criteria provided, single submitter. Criteria: Ambry Variant Classification Scheme 2023. Collection method: clinical testing. Allele origin: germline.

Labcorp Genetics (formerly Invitae), Labcorp
Classification: Uncertain significance. Last evaluated: 2023-09-10. Review status: criteria provided, single submitter. Criteria: Invitae Variant Classification Sherloc (09022015). Collection method: clinical testing. Allele origin: germline.
Comment: In summary, the available evidence is currently insufficient to determine the role of this variant in disease. Therefore, it has been classified as a Variant of Uncertain Significance. An algorithm developed to predict the effect of missense changes on protein structure and function (PolyPhen-2) suggests that this variant is likely to be disruptive. This variant has not been reported in the literature in individuals affected with ADGRA3-related conditions. This variant is present in population databases (no rsID available, gnomAD 0.0009%). This sequence change replaces lysine, which is basic and polar, with asparagine, which is neutral and polar, at codon 1279 of the ADGRA3 protein (p.Lys1279Asn).